The following is an entry in ClinVar:

NM_001903.5(CTNNA1):c.128A>G (p.Asn43Ser)

Gene: CTNNA1 (catenin alpha 1; plus strand). Cytogenetic location: 5q31.2.
Variant type: single nucleotide variant.
Coding change: c.128A>G on transcript NM_001903.5 (MANE Select); coding-DNA position 128, A replaced by G.
Protein change: p.Asn43Ser; replaces asparagine 43 with serine.
Molecular consequence: missense variant. On other transcripts: 5 prime UTR variant (1), intron variant (1).
Genome position (GRCh38, 1-based): chr5:138,783,199, A>G. VCF-style: chr5-138783199-A-G. GRCh37 (hg19) VCF-style: chr5-138118888-A-G.
Other names: c.128A>G, p.Asn43Ser (NM_001290307.3, NM_001323982.2, NM_001323983.1 and 3 more transcripts); c.-79A>G (NM_001290310.3); c.-9+1170A>G (NM_001290309.3); short protein forms N43S.
Identifiers: ClinVar variation 656502 (VCV000656502.12), dbSNP rs1580984043, ClinGen allele CA361477304.

ClinVar aggregate classification (germline): Conflicting classifications of pathogenicity. Review status: criteria provided, conflicting classifications (1 of 4 stars). 2 submissions from 2 submitters: Uncertain significance (1); Likely benign (1). Last evaluated 2025-04-02.

Conditions:
Hereditary cancer-predisposing syndrome. Also called: Hereditary neoplastic syndrome; Tumor predisposition; Neoplastic Syndromes, Hereditary; Hereditary Cancer Syndrome. Identifiers: Orphanet 140162, MedGen C0027672, MeSH D009386, MONDO:0015356.

Allele frequency attached by ClinVar (database versions not stated): gnomAD exomes below 0.00001.
gnomAD v4.1: 2 of 1,611,708 alleles (0.00012%); highest among the groups gnomAD compares: African/African-American, 0.0013%; no homozygotes.

Submissions (2):

Ambry Genetics
Classification: Likely benign for Hereditary cancer-predisposing syndrome. Last evaluated: 2025-04-02. Review status: criteria provided, single submitter. Criteria: Ambry Variant Classification Scheme 2023. Collection method: clinical testing. Allele origin: germline.

Labcorp Genetics (formerly Invitae), Labcorp
Classification: Uncertain significance. Last evaluated: 2025-01-29. Review status: criteria provided, single submitter. Criteria: Invitae Variant Classification Sherloc (09022015). Collection method: clinical testing. Allele origin: germline.
Comment: This sequence change replaces asparagine, which is neutral and polar, with serine, which is neutral and polar, at codon 43 of the CTNNA1 protein (p.Asn43Ser). This variant is not present in population databases (gnomAD no frequency). This variant has not been reported in the literature in individuals affected with CTNNA1-related conditions. ClinVar contains an entry for this variant (Variation ID: 656502). An algorithm developed to predict the effect of missense changes on protein structure and function outputs the following: PolyPhen-2: "Benign". The serine amino acid residue is found in multiple mammalian species, which suggests that this missense change does not adversely affect protein function. RNA analysis performed to evaluate the impact of this missense change on mRNA splicing indicates it does not significantly alter splicing (internal data). In summary, the available evidence is currently insufficient to determine the role of this variant in disease. Therefore, it has been classified as a Variant of Uncertain Significance.